The following is an entry in ClinVar:

NM_005033.3(EXOSC9):c.680A>G (p.Lys227Arg)

Gene: EXOSC9 (exosome component 9; plus strand). Cytogenetic location: 4q27.
Variant type: single nucleotide variant.
Coding change: c.680A>G on transcript NM_005033.3 (MANE Select); coding-DNA position 680, A replaced by G.
Protein change: p.Lys227Arg; replaces lysine 227 with arginine.
Molecular consequence: missense variant.
Genome position (GRCh38, 1-based): chr4:121,810,041, A>G. VCF-style: chr4-121810041-A-G. GRCh37 (hg19) VCF-style: chr4-122731196-A-G.
Other names: c.680A>G, p.Lys227Arg (NM_001034194.2); short protein forms K227R.
Identifiers: ClinVar variation 1937305 (VCV001937305.2), dbSNP rs1560625644, ClinGen allele CA358044434.
Genomic context (GRCh38, chr4:121,810,041, plus strand): 5'-TGGATCCCAATGAACGAGAAGAACGTGTGATGGATGGCTTGCTGGTGATTGCCATGAACA[A>G]ACATCGAGAGATTTGTACTATCCAGTCCAGTGGTGGGATAATGCTACTAAAAGATCAAGT-3'
Protein context (NP_005024.2, residues 217-237): MDGLLVIAMN[Lys227Arg]HREICTIQSS

ClinVar aggregate classification (germline): Uncertain significance (1 of 4 stars; one submission).

Allele frequency attached by ClinVar (database versions not stated): gnomAD exomes below 0.00001.
gnomAD v4.1: 3 of 1,614,052 alleles (0.00019%); highest among the groups gnomAD compares: Non-Finnish European, 0.00025%; no homozygotes.

Submission:

Labcorp Genetics (formerly Invitae), Labcorp
Classification: Uncertain significance. Last evaluated: 2022-08-21. Review status: criteria provided, single submitter. Criteria: Invitae Variant Classification Sherloc (09022015). Collection method: clinical testing. Allele origin: germline.
Comment: This sequence change replaces lysine, which is basic and polar, with arginine, which is basic and polar, at codon 227 of the EXOSC9 protein (p.Lys227Arg). This variant is not present in population databases (gnomAD no frequency). This variant has not been reported in the literature in individuals affected with EXOSC9-related conditions. Algorithms developed to predict the effect of missense changes on protein structure and function are either unavailable or do not agree on the potential impact of this missense change (SIFT: "Deleterious"; PolyPhen-2: "Benign"; Align-GVGD: "Class C25"). Algorithms developed to predict the effect of sequence changes on RNA splicing suggest that this variant may create or strengthen a splice site. In summary, the available evidence is currently insufficient to determine the role of this variant in disease. Therefore, it has been classified as a Variant of Uncertain Significance.